The following is an entry in ClinVar:

ClinVar aggregate classification (germline): Likely benign. Review status: reviewed by expert panel (3 of 4 stars). 4 submissions from 4 submitters: Likely benign (1). 3 of the submissions do not count toward it. Last evaluated 2017-06-29.

Conditions:
Hereditary cancer-predisposing syndrome. Also called: Hereditary Cancer Syndrome; Neoplastic Syndromes, Hereditary; Tumor predisposition; Hereditary neoplastic syndrome. Identifiers: Orphanet 140162, MedGen C0027672, MeSH D009386, MONDO:0015356.
Breast-ovarian cancer, familial, susceptibility to, 2 (BROVCA2). Also called: BRCA2 Hereditary Breast and Ovarian Cancer. Identifiers: Orphanet 145, MedGen C2675520, MONDO:0012933, OMIM 612555. Disease mechanism: loss of function.
Hereditary breast ovarian cancer syndrome. Also called: Hereditary breast and/or ovarian cancer syndrome; BRCA1- and BRCA2-Associated Hereditary Breast and Ovarian Cancer; Hereditary breast and ovarian cancer syndrome (HBOC); Hereditary breast and ovarian cancer; Hereditary breast and ovarian cancer syndrome; Breast and ovarian cancer. Identifiers: Orphanet 145, MedGen C0677776, MeSH D061325, MONDO:0003582. Disease mechanism: loss of function.

Submissions (4):

Evidence-based Network for the Interpretation of Germline Mutant Alleles (ENIGMA)
Classification: Likely benign for Breast-ovarian cancer, familial, susceptibility to, 2. Last evaluated: 2017-06-29. Review status: reviewed by expert panel. Criteria: ENIGMA BRCA1/2 Classification Criteria (2017-06-29). Collection method: curation. Allele origin: germline.
Comment: Synonymous substitution variant, with low bioinformatic likelihood to result in a splicing aberration (Splicing prior probability 0.02).

All of Us Research Program, National Institutes of Health
Classification: Likely benign for Breast-ovarian cancer, familial, susceptibility to, 2. Last evaluated: 2023-05-04. Review status: criteria provided, single submitter. Criteria: ACMG Guidelines, 2015. Collection method: clinical testing. Allele origin: germline. Inheritance: Autosomal dominant inheritance. Observed: 1 variant allele, 1 heterozygote. Not counted in ClinVar's aggregate classification.
Comment: This study involves interpretation of variants in research participants for the purpose of population health screening. Participant phenotype was not available at the time of variant classification. Additional details can be found in publication PMID: 35346344, PMCID: PMC8962531

Labcorp Genetics (formerly Invitae), Labcorp
Classification: Likely benign for Hereditary breast ovarian cancer syndrome. Last evaluated: 2021-06-28. Review status: criteria provided, single submitter. Criteria: Invitae Variant Classification Sherloc (09022015). Collection method: clinical testing. Allele origin: germline. Not counted in ClinVar's aggregate classification.

Ambry Genetics
Classification: Likely benign for Hereditary cancer-predisposing syndrome. Last evaluated: 2015-02-10. Review status: criteria provided, single submitter. Criteria: Ambry Variant Classification Scheme 2023. Collection method: clinical testing. Allele origin: germline. Not counted in ClinVar's aggregate classification.

NM_000059.4(BRCA2):c.1851A>C (p.Ser617=)

Gene: BRCA2 (BRCA2 DNA repair associated; plus strand). Cytogenetic location: 13q13.1.
Variant type: single nucleotide variant.
Coding change: c.1851A>C on transcript NM_000059.4 (MANE Select); coding-DNA position 1851, A replaced by C.
Protein change: p.Ser617=; no amino-acid change (serine 617 retained).
Molecular consequence: synonymous variant.
Genome position (GRCh38, 1-based): chr13:32,333,329, A>C. VCF-style: chr13-32333329-A-C. GRCh37 (hg19) VCF-style: chr13-32907466-A-C.
Identifiers: ClinVar variation 230349 (VCV000230349.16), dbSNP rs876658518, ClinGen allele CA10579508.